The following is an entry in ClinVar:

NM_172341.4(PSENEN):c.225C>G (p.Ile75Met)

Gene: PSENEN (presenilin enhancer, gamma-secretase subunit; plus strand). Cytogenetic location: 19q13.12.
Variant type: single nucleotide variant.
Coding change: c.225C>G on transcript NM_172341.4 (MANE Select); coding-DNA position 225, C replaced by G.
Protein change: p.Ile75Met; replaces isoleucine 75 with methionine.
Molecular consequence: missense variant.
Genome position (GRCh38, 1-based): chr19:35,746,766, C>G. VCF-style: chr19-35746766-C-G. GRCh37 (hg19) VCF-style: chr19-36237667-C-G.
Other names: c.225C>G, p.Ile75Met (NM_001281532.3); short protein forms I75M.
Identifiers: ClinVar variation 2803544 (VCV002803544.3), dbSNP rs911157410, ClinGen allele CA307810692.

ClinVar aggregate classification (germline): Uncertain significance (1 of 4 stars; one submission).

Allele frequency attached by ClinVar (database versions not stated): gnomAD exomes below 0.00001; gnomAD 0.00001; TOPMed 0.00001.

Submission:

Labcorp Genetics (formerly Invitae), Labcorp
Classification: Uncertain significance. Last evaluated: 2024-01-29. Review status: criteria provided, single submitter. Criteria: Invitae Variant Classification Sherloc (09022015). Collection method: clinical testing. Allele origin: germline.
Comment: This sequence change replaces isoleucine, which is neutral and non-polar, with methionine, which is neutral and non-polar, at codon 75 of the PSENEN protein (p.Ile75Met). This variant is not present in population databases (gnomAD no frequency). This variant has not been reported in the literature in individuals affected with PSENEN-related conditions. An algorithm developed to predict the effect of missense changes on protein structure and function (PolyPhen-2) suggests that this variant is likely to be tolerated. In summary, the available evidence is currently insufficient to determine the role of this variant in disease. Therefore, it has been classified as a Variant of Uncertain Significance.